The following is an entry in ClinVar:

NM_004408.4(DNM1):c.386-14G>A

Genes: DNM1 (dynamin 1; plus strand), LOC113839516 (Sharpr-MPRA regulatory region 8497; plus strand). Cytogenetic location: 9q34.11.
Variant type: single nucleotide variant.
Coding change: c.386-14G>A on transcript NM_004408.4 (MANE Select); 14 bases into the intron before coding-DNA position 386, G replaced by A.
Molecular consequence: intron variant.
Genome position (GRCh38, 1-based): chr9:128,219,035, G>A. VCF-style: chr9-128219035-G-A. GRCh37 (hg19) VCF-style: chr9-130981314-G-A.
Other names: c.386-14G>A (NM_001005336.3, NM_001288738.2, NM_001288737.2 and 1 more transcripts).
Identifiers: ClinVar variation 387856 (VCV000387856.9), dbSNP rs141695422, ClinGen allele CA5257805.

ClinVar aggregate classification (germline): Benign. Review status: criteria provided, multiple submitters, no conflicts (2 of 4 stars). 2 submissions from 2 submitters: Benign (2). Last evaluated 2026-01-31.

Conditions:
Developmental and epileptic encephalopathy, 31A. Also called: Developmental and epileptic encephalopathy, 31; Epileptic encephalopathy, early infantile, 31. Identifiers: Orphanet 2382, MedGen C4225357, MONDO:0014598, OMIM 616346.

Allele frequency attached by ClinVar (database versions not stated): ESP Exome Variant Server 0.00015; gnomAD exomes 0.00178 and 0.00421; gnomAD 0.00189 and 0.00239; TOPMed 0.00207; ExAC 0.00400; 1000 Genomes Project 30x 0.00703; 1000 Genomes Project 0.00839.
gnomAD v4.1: 2,978 of 1,612,762 alleles (0.18%); highest among the groups gnomAD compares: East Asian, 4.4%; 41 homozygotes.

Submissions (2):

Labcorp Genetics (formerly Invitae), Labcorp
Classification: Benign for Developmental and epileptic encephalopathy, 31A. Last evaluated: 2026-01-31. Review status: criteria provided, single submitter. Criteria: Invitae Variant Classification Sherloc (09022015). Collection method: clinical testing. Allele origin: germline.

GeneDx
Classification: Benign. Last evaluated: 2016-08-09. Review status: criteria provided, single submitter. Criteria: GeneDx Variant Classification (06012015). Collection method: clinical testing. Allele origin: germline. Affected: yes.
Comment: This variant is considered likely benign or benign based on one or more of the following criteria: it is a conservative change, it occurs at a poorly conserved position in the protein, it is predicted to be benign by multiple in silico algorithms, and/or has population frequency not consistent with disease.